The following is an entry in ClinVar:

ClinVar aggregate classification (germline): Uncertain significance (1 of 4 stars; one submission).

Conditions:
Nemaline myopathy 2 (NEM2). Also called: Nemaline myopathy 2, autosomal recessive. Identifiers: MedGen C1850569, MONDO:0009725, OMIM 256030.

Submission:

Labcorp Genetics (formerly Invitae), Labcorp
Classification: Uncertain significance for Nemaline myopathy 2. Last evaluated: 2020-03-04. Review status: criteria provided, single submitter. Criteria: Invitae Variant Classification Sherloc (09022015). Collection method: clinical testing. Allele origin: germline.
Comment: This sequence change replaces threonine with alanine at codon 3346 of the NEB protein (p.Thr3346Ala). The threonine residue is moderately conserved and there is a small physicochemical difference between threonine and alanine. This variant is not present in population databases (ExAC no frequency). In summary, the available evidence is currently insufficient to determine the role of this variant in disease. Therefore, it has been classified as a Variant of Uncertain Significance. Algorithms developed to predict the effect of missense changes on protein structure and function output the following: SIFT: "Tolerated"; PolyPhen-2: "Not Available"; Align-GVGD: "Class C0". The alanine amino acid residue is found in multiple mammalian species, suggesting that this missense change does not adversely affect protein function. These predictions have not been confirmed by published functional studies and their clinical significance is uncertain. This variant has not been reported in the literature in individuals with NEB-related conditions.

NM_001164508.2(NEB):c.10036A>G (p.Thr3346Ala)

Gene: NEB (nebulin; minus strand). Cytogenetic location: 2q23.3.
Variant type: single nucleotide variant.
Coding change: c.10036A>G on transcript NM_001164508.2 (MANE Select); coding-DNA position 10036, A replaced by G.
Protein change: p.Thr3346Ala; replaces threonine 3346 with alanine.
Molecular consequence: missense variant.
Genome position (GRCh38, 1-based): chr2:151,627,630, T>C on the plus strand (A>G on the coding strand, the complement: NEB is on the minus strand). VCF-style: chr2-151627630-T-C. GRCh37 (hg19) VCF-style: chr2-152484144-T-C.
Other names: c.10036A>G, p.Thr3346Ala (NM_001164507.2, NM_001271208.2); c.9307A>G, p.Thr3103Ala (NM_004543.5); short protein forms T3103A, T3346A.
Identifiers: ClinVar variation 1005175 (VCV001005175.8), dbSNP rs2098550963, ClinGen allele CA348794955.